The following is an entry in ClinVar:

NM_001377.3(DYNC2H1):c.9568-2A>G

Gene: DYNC2H1 (dynein cytoplasmic 2 heavy chain 1; plus strand). Cytogenetic location: 11q22.3.
Variant type: single nucleotide variant.
Coding change: c.9568-2A>G on transcript NM_001377.3 (MANE Select); the canonical splice acceptor site of the intron before coding-DNA position 9568, A replaced by G.
Molecular consequence: splice acceptor variant.
Genome position (GRCh38, 1-based): chr11:103,235,670, A>G. VCF-style: chr11-103235670-A-G. GRCh37 (hg19) VCF-style: chr11-103106399-A-G.
Other names: c.9568-2A>G (NM_001080463.2).
Identifiers: ClinVar variation 450285 (VCV000450285.2), dbSNP rs1555076918, ClinGen allele CA382241552.

ClinVar aggregate classification (germline): Likely pathogenic (1 of 4 stars; one submission).

Submission:

GeneDx
Classification: Likely pathogenic. Last evaluated: 2018-12-07. Review status: criteria provided, single submitter. Criteria: GeneDx Variant Classification (06012015). Collection method: clinical testing. Allele origin: germline. Affected: yes.
Comment: The c.9568-2A>G variant in the DYNC2H1 gene has not been reported previously as a pathogenic variant nor as a benign variant, to our knowledge. This splice site variant destroys the canonical splice acceptor site in intron 61. It is predicted to cause abnormal gene splicing, either leading to an abnormal message that is subject to nonsense-mediated mRNA decay, or to an abnormal protein product if the message is used for protein translation. The c.9568-2A>G variant is not observed in large population cohorts (Lek et al., 2016; 1000 Genomes Consortium et al., 2015; Exome Variant Server). We interpret c.9568-2A>G as a likely pathogenic variant.